The following is an entry in ClinVar:

NM_016955.4(SEPSECS):c.194A>G (p.Asn65Ser)

Gene: SEPSECS (Sep (O-phosphoserine) tRNA:Sec (selenocysteine) tRNA synthase; minus strand). Cytogenetic location: 4p15.2.
Variant type: single nucleotide variant.
Coding change: c.194A>G on transcript NM_016955.4 (MANE Select); coding-DNA position 194, A replaced by G.
Protein change: p.Asn65Ser; replaces asparagine 65 with serine.
Molecular consequence: missense variant.
Genome position (GRCh38, 1-based): chr4:25,159,028, T>C on the plus strand (A>G on the coding strand, the complement: SEPSECS is on the minus strand). VCF-style: chr4-25159028-T-C. GRCh37 (hg19) VCF-style: chr4-25160650-T-C.
Other names: c.449A>G, p.Asn150Ser (NM_001410714.1); c.194A>G (NM_016955.3); short protein forms N65S, N150S.
Identifiers: ClinVar variation 3590478 (VCV003590478.2).
Genomic context (GRCh38, chr4:25,159,028, plus strand): 5'-GCAACCAGTGCGGATGCCACTCTCCCTTCCCTTTCTCCCACACCACAATTGCCTAAGAAA[T>C]TGTTGCTGTCCATGATTGCAAGTTCATGTAAAAAGAGTTCAAGTGTACTTTCATCCCAGC-3'
Protein context (NP_058651.3, residues 55-75): LHELAIMDSN[Asn65Ser]FLGNCGVGER

ClinVar aggregate classification (germline): Likely pathogenic. Review status: criteria provided, multiple submitters, no conflicts (2 of 4 stars). 2 submissions from 2 submitters: Likely pathogenic (2). Last evaluated 2025-11-26.

Conditions:
Pontocerebellar hypoplasia type 2D (PCH2D). Also called: Progressive cerebello-cerebral atrophy. Identifiers: Orphanet 247198, Orphanet 2524, MedGen C3151140, MONDO:0013438, OMIM 613811.

gnomAD v4.1: 7 of 1,613,682 alleles (0.00043%); highest among the groups gnomAD compares: East Asian, 0.016%; no homozygotes.

Submissions (2):

Natera, Inc.
Classification: Likely pathogenic for Pontocerebellar hypoplasia type 2d. Last evaluated: 2025-11-26. Review status: criteria provided, single submitter. Criteria: Natera Variant Classification Schema (03/2026). Collection method: clinical testing. Allele origin: germline.
Comment: The c.194A>G variant in SEPSECS is a missense variant predicted to cause substitution of asparagine to serine at amino acid 65. This variant is rare in the general population with a frequency below the threshold expected for the associated phenotype(s). This variant has been observed in one or more individuals affected with the associated recessive disease, as either homozygous or compound heterozygous with a second variant (PMID: 29095814, 35155316). Computational prediction algorithms indicate this variant is likely to affect gene or protein function. Given the available evidence, this variant is classified as Likely Pathogenic.

Fulgent Genetics
Classification: Likely pathogenic for Pontocerebellar hypoplasia type 2D. Last evaluated: 2024-05-28. Review status: criteria provided, single submitter. Criteria: ACMG Guidelines, 2015. Collection method: clinical testing. Allele origin: germline.

Literature cited by the submitters: PubMed 29095814 (cited by Natera, Inc.); PubMed 35155316 (cited by Natera, Inc.).